The following is an entry in ClinVar:

NM_001257180.2(SLC20A2):c.1766G>A (p.Gly589Glu)

Gene: SLC20A2 (solute carrier family 20 member 2; minus strand). Cytogenetic location: 8p11.21.
Variant type: single nucleotide variant.
Coding change: c.1766G>A on transcript NM_001257180.2 (MANE Select); coding-DNA position 1766, G replaced by A.
Protein change: p.Gly589Glu; replaces glycine 589 with glutamic acid.
Molecular consequence: missense variant.
Genome position (GRCh38, 1-based): chr8:42,428,786, C>T on the plus strand (G>A on the coding strand, the complement: SLC20A2 is on the minus strand). VCF-style: chr8-42428786-C-T. GRCh37 (hg19) VCF-style: chr8-42286304-C-T.
Other names: c.1766G>A, p.Gly589Glu (NM_001257181.2, NM_006749.5); short protein forms G589E.
Identifiers: ClinVar variation 4990917 (VCV004990917.1).

ClinVar aggregate classification (germline): Uncertain significance (1 of 4 stars; one submission).

Conditions:
SLC20A2-related disorder. Also called: SLC20A2-related condition.

Submission:

PreventionGenetics, part of Exact Sciences
Classification: Uncertain significance for SLC20A2-related condition. Last evaluated: 2026-05-27. Review status: criteria provided, single submitter. Criteria: ACMG Guidelines, 2015. Collection method: clinical testing. Allele origin: germline.
Comment: The SLC20A2 c.1766G>A variant is predicted to result in the amino acid substitution p.Gly589Glu. To our knowledge, this variant has not been reported in the literature or in a large population database (gnomAD), indicating this variant is rare. Another missense variant affecting the same amino acid residue (p.Gly589Arg) has been reported in individuals with primary familial brain calcification (Ramos et al. 2018. PubMed ID: 29955172; Supplemental Table S1, Chen et al. 2019. PubMed ID: 31003906). At this time, the clinical significance of the c.1766G>A (p.Gly589Glu) variant is uncertain due to the absence of conclusive functional and genetic evidence.